The following is an entry in ClinVar:

ClinVar aggregate classification (germline): Uncertain significance (1 of 4 stars; one submission).

Conditions:
Craniosynostosis syndrome. Also called: Craniosynostosis. Identifiers: Orphanet 1531, MedGen C0010278, MeSH D003398, MONDO:0015469, HP:0001363.

Allele frequency attached by ClinVar (database versions not stated): gnomAD exomes below 0.00001; gnomAD 0.00001.
gnomAD v4.1: 2 of 1,612,262 alleles (0.00012%); highest among the groups gnomAD compares: Non-Finnish European, 0.00017%; no homozygotes.

Submission:

Klinisk genetik och genomik Research, Gothenburg University
Classification: Uncertain significance for Craniosynostosis syndrome. Last evaluated: 2021-03-29. Review status: criteria provided, single submitter. Criteria: ACMG Guidelines, 2015. Collection method: research. Allele origin: germline. Affected: yes. Observed: 1 variant allele.

NM_001024630.4(RUNX2):c.340G>A (p.Val114Ile)

Gene: RUNX2 (RUNX family transcription factor 2; plus strand). Cytogenetic location: 6p21.1.
Variant type: single nucleotide variant.
Coding change: c.340G>A on transcript NM_001024630.4 (MANE Select); coding-DNA position 340, G replaced by A.
Protein change: p.Val114Ile; replaces valine 114 with isoleucine.
Molecular consequence: missense variant.
Genome position (GRCh38, 1-based): chr6:45,422,874, G>A. VCF-style: chr6-45422874-G-A. GRCh37 (hg19) VCF-style: chr6-45390611-G-A.
Other names: c.340G>A, p.Val114Ile (NM_001015051.4); c.298G>A, p.Val100Ile (NM_001278478.2, NM_001369405.1); short protein forms V100I, V114I.
Identifiers: ClinVar variation 1048586 (VCV001048586.1), dbSNP rs1798260254, ClinGen allele CA363958437.
Genomic context (GRCh38, chr6:45,422,874, plus strand): 5'-CGGCCGCCCCACGACAACCGCACCATGGTGGAGATCATCGCCGACCACCCGGCCGAACTC[G>A]TCCGCACCGACAGCCCCAACTTCCTGTGCTCGGTGCTGCCCTCGCACTGGCGCTGCAACA-3'
Protein context (NP_001019801.3, residues 104-124): EIIADHPAEL[Val114Ile]RTDSPNFLCS